The following is an entry in ClinVar:

ClinVar aggregate classification (germline): Conflicting classifications of pathogenicity. Review status: criteria provided, conflicting classifications (1 of 4 stars). 2 submissions from 2 submitters: Uncertain significance (1); Benign (1). Last evaluated 2023-06-01.

Conditions:
Autosomal recessive limb-girdle muscular dystrophy type 2N. Also called: Muscular dystrophy-dystroglycanopathy (limb-girdle), type C, 2; MUSCULAR DYSTROPHY-DYSTROGLYCANOPATHY, LIMB-GIRDLE, POMT2-RELATED. Identifiers: Orphanet 206559, MedGen C3150418, MONDO:0013162, OMIM 613158.

Allele frequency attached by ClinVar (database versions not stated): 1000 Genomes Project 30x 0.00328; 1000 Genomes Project 0.00359; TOPMed 0.00796.

Submissions (2):

CeGaT Center for Human Genetics Tuebingen
Classification: Benign. Last evaluated: 2023-06-01. Review status: criteria provided, single submitter. Criteria: CeGaT Center For Human Genetics Tuebingen Variant Classification Criteria Version 2. Collection method: clinical testing. Allele origin: germline. Affected: yes. Observed: 10 variant alleles.
Comment: POMT2: BS1, BS2

Illumina Laboratory Services, Illumina
Classification: Uncertain significance for Autosomal recessive limb-girdle muscular dystrophy type 2N. Last evaluated: 2018-01-12. Review status: criteria provided, single submitter. Criteria: ICSL Variant Classification Criteria 13 December 2019. Collection method: clinical testing. Allele origin: germline.

NM_013382.7(POMT2):c.*2151A>G

Gene: POMT2 (protein O-mannosyltransferase 2; minus strand). Cytogenetic location: 14q24.3.
Variant type: single nucleotide variant.
Coding change: c.*2151A>G on transcript NM_013382.7 (MANE Select); 2151 bases downstream of the stop codon, A replaced by G.
Molecular consequence: 3 prime UTR variant.
Genome position (GRCh38, 1-based): chr14:77,275,225, T>C on the plus strand (A>G on the coding strand, the complement: POMT2 is on the minus strand). VCF-style: chr14-77275225-T-C. GRCh37 (hg19) VCF-style: chr14-77741568-T-C.
Identifiers: ClinVar variation 314510 (VCV000314510.34), dbSNP rs45579739, ClinGen allele CA10645010.